The following is an entry in ClinVar:

NM_000453.3(SLC5A5):c.652C>T (p.Gln218Ter)

Gene: SLC5A5 (solute carrier family 5 member 5; plus strand). Cytogenetic location: 19p13.11.
Variant type: single nucleotide variant.
Coding change: c.652C>T on transcript NM_000453.3 (MANE Select); coding-DNA position 652, C replaced by T.
Protein change: p.Gln218Ter; replaces glutamine 218 with a stop codon.
Molecular consequence: nonsense.
Genome position (GRCh38, 1-based): chr19:17,876,060, C>T. VCF-style: chr19-17876060-C-T. GRCh37 (hg19) VCF-style: chr19-17986869-C-T.
Other names: short protein forms Q218*.
Identifiers: ClinVar variation 2973621 (VCV002973621.4), dbSNP rs753608267, ClinGen allele CA9302822.
Genomic context (GRCh38, chr19:17,876,060, plus strand): 5'-ATGCTAAGTGGCTTCTGGGTTGTCCTGGCACGCGGTGTCATGCTTGTGGGCGGGCCCCGC[C>T]AGGTGCTCACGCTGGCCCAGAACCACTCCCGGATCAACCTCATGGAGTGAGTGAAAATGC-3'

ClinVar aggregate classification (germline): Pathogenic (1 of 4 stars; one submission).

Allele frequency attached by ClinVar (database versions not stated): gnomAD exomes 0.00001; ExAC 0.00002; TOPMed 0.00002.

Submission:

Labcorp Genetics (formerly Invitae), Labcorp
Classification: Pathogenic. Last evaluated: 2023-10-17. Review status: criteria provided, single submitter. Criteria: Invitae Variant Classification Sherloc (09022015). Collection method: clinical testing. Allele origin: germline.
Comment: This sequence change creates a premature translational stop signal (p.Gln218*) in the SLC5A5 gene. It is expected to result in an absent or disrupted protein product. Loss-of-function variants in SLC5A5 are known to be pathogenic (PMID: 9388506, 9486973). This variant is present in population databases (rs753608267, gnomAD 0.05%). This variant has not been reported in the literature in individuals affected with SLC5A5-related conditions. For these reasons, this variant has been classified as Pathogenic.

Literature cited by the submitters: PubMed 9388506; PubMed 9486973.